The following is an entry in ClinVar:

NM_001386298.1(CIC):c.6683C>G (p.Pro2228Arg)

Gene: CIC (capicua transcriptional repressor; plus strand). Cytogenetic location: 19q13.2.
Variant type: single nucleotide variant.
Coding change: c.6683C>G on transcript NM_001386298.1 (MANE Select); coding-DNA position 6683, C replaced by G.
Protein change: p.Pro2228Arg; replaces proline 2228 with arginine.
Molecular consequence: missense variant.
Genome position (GRCh38, 1-based): chr19:42,293,752, C>G. VCF-style: chr19-42293752-C-G. GRCh37 (hg19) VCF-style: chr19-42797904-C-G.
Other names: c.6683C>G, p.Pro2228Arg (NM_001304815.2, NM_001379482.1, NM_001379483.1); c.6680C>G, p.Pro2227Arg (NM_001379480.1); c.3956C>G, p.Pro1319Arg (NM_001379484.1, NM_001379485.1, NM_015125.5); short protein forms P1319R, P2227R, P2228R.
Identifiers: ClinVar variation 3239401 (VCV003239401.19), dbSNP rs587778207.

ClinVar aggregate classification (germline): Uncertain significance (1 of 4 stars; one submission).

Submission:

CeGaT Center for Human Genetics Tuebingen
Classification: Uncertain significance. Last evaluated: 2024-05-01. Review status: criteria provided, single submitter. Criteria: CeGaT Center For Human Genetics Tuebingen Variant Classification Criteria Version 2. Collection method: clinical testing. Allele origin: germline. Affected: yes. Observed: 1 variant allele.
Comment: CIC: PM2